The following is an entry in ClinVar:

NM_022051.3(EGLN1):c.884G>A (p.Arg295Gln)

Genes: EGLN1 (egl-9 family hypoxia inducible factor 1; minus strand), LOC129932769 (ATAC-STARR-seq lymphoblastoid active region 2730; plus strand). Cytogenetic location: 1q42.2.
Variant type: single nucleotide variant.
Coding change: c.884G>A on transcript NM_022051.3 (MANE Select); coding-DNA position 884, G replaced by A.
Protein change: p.Arg295Gln; replaces arginine 295 with glutamine.
Molecular consequence: missense variant.
Genome position (GRCh38, 1-based): chr1:231,421,005, C>T on the plus strand (G>A on the coding strand, the complement: EGLN1 is on the minus strand). VCF-style: chr1-231421005-C-T. GRCh37 (hg19) VCF-style: chr1-231556751-C-T.
Other names: c.884G>A, p.Arg295Gln (NM_001377260.1, NM_001377261.1); short protein forms R295Q.
Identifiers: ClinVar variation 3274792 (VCV003274792.1).

ClinVar aggregate classification (germline): Uncertain significance (1 of 4 stars; one submission).

Submission:

Ambry Genetics
Classification: Uncertain significance. Last evaluated: 2024-05-15. Review status: criteria provided, single submitter. Criteria: Ambry Variant Classification Scheme 2023. Collection method: clinical testing. Allele origin: germline.
Comment: The p.R295Q variant (also known as c.884G>A), located in coding exon 1 of the EGLN1 gene, results from a G to A substitution at nucleotide position 884. The arginine at codon 295 is replaced by glutamine, an amino acid with highly similar properties. This amino acid position is conserved. In addition, the in silico prediction for this alteration is inconclusive. Based on the available evidence, the clinical significance of this variant remains unclear.